The following is an entry in ClinVar:

NM_001042492.3(NF1):c.2918A>C (p.Asp973Ala)

Gene: NF1 (neurofibromin 1; plus strand). Cytogenetic location: 17q11.2.
Variant type: single nucleotide variant.
Coding change: c.2918A>C on transcript NM_001042492.3 (MANE Select); coding-DNA position 2918, A replaced by C.
Protein change: p.Asp973Ala; replaces aspartic acid 973 with alanine.
Molecular consequence: missense variant.
Genome position (GRCh38, 1-based): chr17:31,229,902, A>C. VCF-style: chr17-31229902-A-C. GRCh37 (hg19) VCF-style: chr17-29556920-A-C.
Other names: c.2918A>C, p.Asp973Ala (NM_000267.4); short protein forms D973A.
Identifiers: ClinVar variation 4119198 (VCV004119198.1).

ClinVar aggregate classification (germline): Uncertain significance (1 of 4 stars; one submission).

Conditions:
Cardiovascular phenotype. Identifiers: MedGen CN230736.
Hereditary cancer-predisposing syndrome. Also called: Hereditary neoplastic syndrome; Neoplastic Syndromes, Hereditary; Tumor predisposition; Hereditary Cancer Syndrome. Identifiers: Orphanet 140162, MedGen C0027672, MeSH D009386, MONDO:0015356.

Submission:

Ambry Genetics
Classification: Uncertain significance for Cardiovascular phenotype; Hereditary cancer-predisposing syndrome. Last evaluated: 2025-09-14. Review status: criteria provided, single submitter. Criteria: Ambry Variant Classification Scheme 2023. Collection method: clinical testing. Allele origin: germline.
Comment: The p.D973A variant (also known as c.2918A>C), located in coding exon 22 of the NF1 gene, results from an A to C substitution at nucleotide position 2918. The aspartic acid at codon 973 is replaced by alanine, an amino acid with dissimilar properties. This amino acid position is conserved. In addition, this alteration is predicted to be deleterious by in silico analysis. Based on the available evidence, the clinical significance of this variant remains unclear.